The following is an entry in ClinVar:

ClinVar aggregate classification (germline): Pathogenic (1 of 4 stars; one submission).

Conditions:
Optic nerve glioma. Identifiers: MedGen C0346326, MONDO:0003235, HP:0009734.

Submission:

St. Jude Molecular Pathology, St. Jude Children's Research Hospital
Classification: Pathogenic for Optic nerve glioma. Last evaluated: 2016-10-19. Review status: criteria provided, single submitter. Criteria: ACMG Guidelines, 2015. Collection method: clinical testing. Allele origin: germline. Affected: yes.
Comment: This is a frameshift alteration in which two nucleotides are deleted (coding nucleotides 2351 through 2352) and replaced with a C; this alteration is predicted to change a Tryptophan to a Serine at amino acid codon 784, shift the reading frame and result in a premature stop codon 6 amino acids downstream. Classification criteria: PVS1, PS4, PM2, PP4.

NM_001042492.3(NF1):c.2351_2352delinsC (p.Trp784fs)

Gene: NF1 (neurofibromin 1; plus strand). Cytogenetic location: 17q11.2.
Variant type: Indel.
Coding change: c.2351_2352delinsC on transcript NM_001042492.3 (MANE Select); coding-DNA positions 2351 to 2352, GG replaced by C.
Protein change: p.Trp784fs; shifts the reading frame from tryptophan 784.
Molecular consequence: frameshift variant.
Genome position (GRCh38, 1-based): chr17:31,227,548-31,227,549, GG replaced by C. VCF-style: chr17-31227548-GG-C. GRCh37 (hg19) VCF-style: chr17-29554566-GG-C.
Other names: c.2351_2352delGGinsC, p.Trp784Serfs (NM_000267.4); short protein forms W784fs.
Identifiers: ClinVar variation 590843 (VCV000590843.3), dbSNP rs1567848147, ClinGen allele CA891863070.